The following is an entry in ClinVar:

NM_000535.7(PMS2):c.250+6T>G

Gene: PMS2 (PMS1 homolog 2, mismatch repair system component; minus strand). Cytogenetic location: 7p22.1.
Variant type: single nucleotide variant.
Coding change: c.250+6T>G on transcript NM_000535.7 (MANE Select); 6 bases into the intron after coding-DNA position 250, T replaced by G.
Molecular consequence: intron variant.
Genome position (GRCh38, 1-based): chr7:6,003,966, A>C on the plus strand (T>G on the coding strand, the complement: PMS2 is on the minus strand). VCF-style: chr7-6003966-A-C. GRCh37 (hg19) VCF-style: chr7-6043597-A-C.
Other names: c.35+6T>G (NM_001322008.2, NM_001322007.2); c.-156+6T>G (NM_001322010.2, NM_001322004.2, NM_001322013.2 and 3 more transcripts); c.-635+6T>G (NM_001322012.2, NM_001322011.2); c.-235+6T>G (NM_001322015.2); c.250+6T>G (NM_001322006.2, NM_001322014.2).
Identifiers: ClinVar variation 642124 (VCV000642124.10), dbSNP rs1583410029, ClinGen allele CA915944838.

ClinVar aggregate classification (germline): Conflicting classifications of pathogenicity. Review status: criteria provided, conflicting classifications (1 of 4 stars). 2 submissions from 2 submitters: Uncertain significance (1); Likely benign (1). Last evaluated 2026-03-23.

Conditions:
Hereditary nonpolyposis colorectal neoplasms. Identifiers: MedGen C0009405, MeSH D003123.
Hereditary cancer-predisposing syndrome. Also called: Tumor predisposition; Hereditary Cancer Syndrome; Neoplastic Syndromes, Hereditary; Hereditary neoplastic syndrome. Identifiers: Orphanet 140162, MedGen C0027672, MeSH D009386, MONDO:0015356.

Submissions (2):

Ambry Genetics
Classification: Likely benign for Hereditary cancer-predisposing syndrome. Last evaluated: 2026-03-23. Review status: criteria provided, single submitter. Criteria: Ambry Variant Classification Scheme 2023. Collection method: clinical testing. Allele origin: germline.

Labcorp Genetics (formerly Invitae), Labcorp
Classification: Uncertain significance for Hereditary nonpolyposis colorectal neoplasms. Last evaluated: 2024-11-20. Review status: criteria provided, single submitter. Criteria: Invitae Variant Classification Sherloc (09022015). Collection method: clinical testing. Allele origin: germline.
Comment: This sequence change falls in intron 3 of the PMS2 gene. It does not directly change the encoded amino acid sequence of the PMS2 protein. It affects a nucleotide within the consensus splice site. This variant is not present in population databases (gnomAD no frequency). This variant has not been reported in the literature in individuals affected with PMS2-related conditions. ClinVar contains an entry for this variant (Variation ID: 642124). Variants that disrupt the consensus splice site are a relatively common cause of aberrant splicing (PMID: 17576681, 9536098). Algorithms developed to predict the effect of sequence changes on RNA splicing suggest that this variant may disrupt the consensus splice site. In summary, the available evidence is currently insufficient to determine the role of this variant in disease. Therefore, it has been classified as a Variant of Uncertain Significance.

Literature cited by the submitters: PubMed 17576681 (cited by Labcorp Genetics (formerly Invitae), Labcorp); PubMed 9536098 (cited by Labcorp Genetics (formerly Invitae), Labcorp).